The following is an entry in ClinVar:

ClinVar aggregate classification (germline): Pathogenic/Likely pathogenic. Review status: criteria provided, multiple submitters, no conflicts (2 of 4 stars). 3 submissions from 3 submitters: Pathogenic (1); Likely pathogenic (1). 1 of the submissions does not count toward it. Last evaluated 2025-08-29.

Conditions:
Primary ciliary dyskinesia. Also called: Ciliary dyskinesia. Identifiers: Orphanet 244, MedGen C0008780, MONDO:0016575, HP:0012265.
Primary ciliary dyskinesia 17. Also called: CILIARY DYSKINESIA, PRIMARY, 17, WITH OR WITHOUT SITUS INVERSUS. Identifiers: Orphanet 244, MedGen C3542550, MONDO:0013854, OMIM 614679.

Allele frequency attached by ClinVar (database versions not stated): TOPMed below 0.00001; gnomAD 0.00001.
gnomAD v4.1: 6 of 1,613,914 alleles (0.00037%); highest among the groups gnomAD compares: East Asian, 0.0022%; no homozygotes.

Submissions (3):

Labcorp Genetics (formerly Invitae), Labcorp
Classification: Pathogenic for Primary ciliary dyskinesia. Last evaluated: 2025-08-29. Review status: criteria provided, single submitter. Criteria: Invitae Variant Classification Sherloc (09022015). Collection method: clinical testing. Allele origin: germline.
Comment: This sequence change affects an acceptor splice site in intron 2 of the CCDC103 gene. It is expected to disrupt RNA splicing. Variants that disrupt the donor or acceptor splice site typically lead to a loss of protein function (PMID: 16199547), and loss-of-function variants in CCDC103 are known to be pathogenic (PMID: 22581229, 30067075). This variant is present in population databases (rs747091524, gnomAD 0.007%). Disruption of this splice site has been observed in individual(s) with primary ciliary dyskinesia (PMID: 30067075; internal data). ClinVar contains an entry for this variant (Variation ID: 1344594). Algorithms developed to predict the effect of sequence changes on RNA splicing suggest that this variant may disrupt the consensus splice site. For these reasons, this variant has been classified as Pathogenic.

Fulgent Genetics
Classification: Likely pathogenic for Primary ciliary dyskinesia 17. Last evaluated: 2024-05-28. Review status: criteria provided, single submitter. Criteria: ACMG Guidelines, 2015. Collection method: clinical testing. Allele origin: germline.

Yale Center for Mendelian Genomics, Yale University
Classification: Likely pathogenic for Primary ciliary dyskinesia. Last evaluated: 2018-08-01. Review status: no assertion criteria provided. Collection method: literature only. Allele origin: germline. Affected: yes. Observed: 1 compound heterozygote. Study: Yale Center for Mendelian Genomics. Not counted in ClinVar's aggregate classification.

Literature cited by the submitters: PubMed 16199547 (cited by Labcorp Genetics (formerly Invitae), Labcorp); PubMed 22581229 (cited by Labcorp Genetics (formerly Invitae), Labcorp); PubMed 30067075 (cited by Labcorp Genetics (formerly Invitae), Labcorp and Yale Center for Mendelian Genomics, Yale University).

NM_213607.3(DNAAF19):c.144-1G>A

Gene: DNAAF19 (dynein axonemal assembly factor 19; plus strand). Cytogenetic location: 17q21.31.
Variant type: single nucleotide variant.
Coding change: c.144-1G>A on transcript NM_213607.3 (MANE Select); the canonical splice acceptor site of the intron before coding-DNA position 144, G replaced by A.
Molecular consequence: splice acceptor variant.
Genome position (GRCh38, 1-based): chr17:44,901,519, G>A. VCF-style: chr17-44901519-G-A. GRCh37 (hg19) VCF-style: chr17-42978887-G-A.
Other names: c.144-1G>A (NM_001258399.2, NM_001258397.3, NM_001258398.3 and 2 more transcripts).
Identifiers: ClinVar variation 1344594 (VCV001344594.4), dbSNP rs747091524, ClinGen allele CA8608293.